The following is an entry in ClinVar:

NM_207346.3(TSEN54):c.1216dup (p.Thr406fs)

Gene: TSEN54 (tRNA splicing endonuclease subunit 54; plus strand). Cytogenetic location: 17q25.1.
Variant type: Duplication.
Coding change: c.1216dup on transcript NM_207346.3 (MANE Select); coding-DNA position 1216, one base duplicated (A; older notation c.1216dupA).
Protein change: p.Thr406fs; shifts the reading frame from threonine 406.
Molecular consequence: frameshift variant.
Genome position (GRCh38, 1-based): chr17:75,522,297, A duplicated. VCF-style (leftmost placement, unchanged base first): chr17-75522296-C-CA. GRCh37 (hg19) VCF-style: chr17-73518377-C-CA.
Other names: short protein forms T406fs.
Identifiers: ClinVar variation 930694 (VCV000930694.3), dbSNP rs2053437943, ClinGen allele CA1139665876.

ClinVar aggregate classification (germline): Likely pathogenic (1 of 4 stars; one submission).

Conditions:
Pontocerebellar hypoplasia type 5 (PCH5). Also called: Pontocerebellar Hypoplasia Type 5 (PCH5). Identifiers: Orphanet 166068, MedGen C1857762, MONDO:0012438, OMIM 610204.

Submission:

Centre for Mendelian Genomics, University Medical Centre Ljubljana
Classification: Likely pathogenic for Pontocerebellar hypoplasia type 5. Last evaluated: 2018-10-12. Review status: criteria provided, single submitter. Criteria: ACMG Guidelines, 2015. Collection method: clinical testing. Allele origin: unknown. Affected: yes.
Comment: This variant was classified as: Likely pathogenic. The following ACMG criteria were applied in classifying this variant: PVS1,PM2.